The following is an entry in ClinVar:

NM_005732.4(RAD50):c.2788A>G (p.Ile930Val)

Gene: RAD50 (RAD50 double strand break repair protein; plus strand). Cytogenetic location: 5q31.1.
Variant type: single nucleotide variant.
Coding change: c.2788A>G on transcript NM_005732.4 (MANE Select); coding-DNA position 2788, A replaced by G.
Protein change: p.Ile930Val; replaces isoleucine 930 with valine.
Molecular consequence: missense variant.
Genome position (GRCh38, 1-based): chr5:132,608,684, A>G. VCF-style: chr5-132608684-A-G. GRCh37 (hg19) VCF-style: chr5-131944376-A-G.
Other names: c.2788A>G (NM_005732.3); short protein forms I930V.
Identifiers: ClinVar variation 1367063 (VCV001367063.7), dbSNP rs2149849438, ClinGen allele CA360958995.

ClinVar aggregate classification (germline): Uncertain significance. Review status: criteria provided, multiple submitters, no conflicts (2 of 4 stars). 2 submissions from 2 submitters: Uncertain significance (2). Last evaluated 2025-09-04.

Conditions:
Hereditary cancer-predisposing syndrome. Also called: Neoplastic Syndromes, Hereditary; Tumor predisposition; Hereditary neoplastic syndrome; Hereditary Cancer Syndrome. Identifiers: Orphanet 140162, MedGen C0027672, MeSH D009386, MONDO:0015356.

Submissions (2):

Ambry Genetics
Classification: Uncertain significance for Hereditary cancer-predisposing syndrome. Last evaluated: 2025-09-04. Review status: criteria provided, single submitter. Criteria: Ambry Variant Classification Scheme 2023. Collection method: clinical testing. Allele origin: germline.
Comment: The p.I930V variant (also known as c.2788A>G), located in coding exon 17 of the RAD50 gene, results from an A to G substitution at nucleotide position 2788. The isoleucine at codon 930 is replaced by valine, an amino acid with highly similar properties. This amino acid position is conserved. In addition, this alteration is predicted to be tolerated by in silico analysis. Based on the available evidence, the clinical significance of this variant remains unclear.

Labcorp Genetics (formerly Invitae), Labcorp
Classification: Uncertain significance for Hereditary cancer-predisposing syndrome. Last evaluated: 2021-10-19. Review status: criteria provided, single submitter. Criteria: Invitae Variant Classification Sherloc (09022015). Collection method: clinical testing. Allele origin: germline.
Comment: This sequence change replaces isoleucine with valine at codon 930 of the RAD50 protein (p.Ile930Val). The isoleucine residue is moderately conserved and there is a small physicochemical difference between isoleucine and valine. In summary, the available evidence is currently insufficient to determine the role of this variant in disease. Therefore, it has been classified as a Variant of Uncertain Significance. This variant has not been reported in the literature in individuals affected with RAD50-related conditions. Algorithms developed to predict the effect of missense changes on protein structure and function output the following: SIFT: "Tolerated"; PolyPhen-2: "Benign"; Align-GVGD: "Class C0". The valine amino acid residue is found in multiple mammalian species, which suggests that this missense change does not adversely affect protein function. This variant is not present in population databases (ExAC no frequency).